The following is an entry in ClinVar:

ClinVar aggregate classification (germline): Uncertain significance (1 of 4 stars; one submission).

Conditions:
Developmental delay with or without epilepsy (DEVEP). Identifiers: MedGen C5882702, MONDO:0957815, OMIM 620540.

gnomAD v4.1: 1 of 1,614,084 alleles (0.000062%); highest among the groups gnomAD compares: Non-Finnish European, 0.000085%; no homozygotes.

Submission:

Institute of Human Genetics, University of Leipzig Medical Center
Classification: Uncertain significance for Developmental delay with or without epilepsy. Last evaluated: 2025-08-05. Review status: criteria provided, single submitter. Criteria: ACMG Guidelines, 2015. Collection method: clinical testing. Allele origin: unknown. Inheritance: Autosomal dominant inheritance. Affected: yes.
Comment: Criteria applied: PM2_SUP, PP3

NM_001130438.3(SPTAN1):c.6707+26G>A

Gene: SPTAN1 (spectrin alpha, non-erythrocytic 1; plus strand). Cytogenetic location: 9q34.11.
Variant type: single nucleotide variant.
Coding change: c.6707+26G>A on transcript NM_001130438.3 (MANE Select); 26 bases into the intron after coding-DNA position 6707, G replaced by A.
Molecular consequence: intron variant.
Genome position (GRCh38, 1-based): chr9:128,627,968, G>A. VCF-style: chr9-128627968-G-A. GRCh37 (hg19) VCF-style: chr9-131390247-G-A.
Other names: c.6743+26G>A (NM_001375318.1, NM_001375312.2, NM_001438440.1); c.6707+26G>A (NM_001375311.2, NM_001363759.2); c.6647+26G>A (NM_001375314.2, NM_001363765.2); c.6794+26G>A (NM_001375310.1); c.6689+470G>A (NM_001375313.1); c.6692+26G>A (NM_001438445.1, NM_003127.4); c.6674+470G>A (NM_001438443.1); c.6629+470G>A (NM_001438442.1); and 2 more.
Identifiers: ClinVar variation 4082352 (VCV004082352.1).
Genomic context (GRCh38, chr9:128,627,968, plus strand): 5'-GGATCTGCTCTCCACAGGACATACCTCCTCGATGGGTTAATATTGTTTTCTTCCTTCTCT[G>A]GGCTTGTCATGTGGGGGTCTCGTGCGCTTGCCCCTCGTGGCCTGGCTTGTGGAGGATCCC-3'